The following is an entry in ClinVar:

ClinVar aggregate classification (germline): Conflicting classifications of pathogenicity. Review status: criteria provided, conflicting classifications (1 of 4 stars). 4 submissions from 4 submitters: Uncertain significance (2); Likely benign (2). Last evaluated 2025-02-16.

Conditions:
Leukodystrophy, hypomyelinating, 27 (HLD27). Identifiers: MedGen C5882743, MONDO:0958018, OMIM 620675.
Acrofacial dysostosis Cincinnati type. Identifiers: Orphanet 1200, MedGen C4225317, MONDO:0014651, OMIM 616462.
Inborn genetic diseases. Identifiers: MedGen C0950123, MeSH D030342.

Allele frequency attached by ClinVar (database versions not stated): TOPMed 0.00007; gnomAD 0.00008 and 0.00009; gnomAD exomes 0.00009 and 0.00013; ESP Exome Variant Server 0.00016; ExAC 0.00022; 1000 Genomes Project 30x 0.00031; 1000 Genomes Project 0.00040.
gnomAD v4.1: 151 of 1,614,044 alleles (0.0094%); highest among the groups gnomAD compares: Non-Finnish European, 0.011%; no homozygotes.

Submissions (4):

Laboratory of Genetics, Children's Clinical University Hospital Latvia
Classification: Likely benign. Last evaluated: 2025-02-16. Review status: criteria provided, single submitter. Criteria: ACMG Guidelines, 2015. Collection method: clinical testing. Allele origin: germline. Affected: yes.

Labcorp Genetics (formerly Invitae), Labcorp
Classification: Uncertain significance. Last evaluated: 2024-12-11. Review status: criteria provided, single submitter. Criteria: Invitae Variant Classification Sherloc (09022015). Collection method: clinical testing. Allele origin: germline.
Comment: This sequence change replaces arginine, which is basic and polar, with glutamine, which is neutral and polar, at codon 1484 of the POLR1A protein (p.Arg1484Gln). This variant is present in population databases (rs199858437, gnomAD 0.02%). This variant has not been reported in the literature in individuals affected with POLR1A-related conditions. ClinVar contains an entry for this variant (Variation ID: 1395840). Invitae Evidence Modeling of protein sequence and biophysical properties (such as structural, functional, and spatial information, amino acid conservation, physicochemical variation, residue mobility, and thermodynamic stability) indicates that this missense variant is not expected to disrupt POLR1A protein function with a negative predictive value of 80%. In summary, the available evidence is currently insufficient to determine the role of this variant in disease. Therefore, it has been classified as a Variant of Uncertain Significance.

Ambry Genetics
Classification: Likely benign for Inborn genetic diseases. Last evaluated: 2023-12-12. Review status: criteria provided, single submitter. Criteria: Ambry Variant Classification Scheme 2023. Collection method: clinical testing. Allele origin: germline.

Department of Pathology and Laboratory Medicine, Sinai Health System
Classification: Uncertain significance for Acrofacial dysostosis Cincinnati type; Leukodystrophy, hypomyelinating, 27. Last evaluated: 2023-01-26. Review status: criteria provided, single submitter. Criteria: ACMG Guidelines, 2015. Collection method: research. Allele origin: germline.

NM_015425.6(POLR1A):c.4451G>A (p.Arg1484Gln)

Gene: POLR1A (RNA polymerase I subunit A; minus strand). Cytogenetic location: 2p11.2.
Variant type: single nucleotide variant.
Coding change: c.4451G>A on transcript NM_015425.6 (MANE Select); coding-DNA position 4451, G replaced by A.
Protein change: p.Arg1484Gln; replaces arginine 1484 with glutamine.
Molecular consequence: missense variant.
Genome position (GRCh38, 1-based): chr2:86,031,457, C>T on the plus strand (G>A on the coding strand, the complement: POLR1A is on the minus strand). VCF-style: chr2-86031457-C-T. GRCh37 (hg19) VCF-style: chr2-86258580-C-T.
Other names: c.4451G>A (NM_015425.3); short protein forms R1484Q.
Identifiers: ClinVar variation 1395840 (VCV001395840.8), dbSNP rs199858437, ClinGen allele CA1745491.
Genomic context (GRCh38, chr2:86,031,457, plus strand): 5'-GCCTGGACCCGGCGCTCCATGGCCTCGGGCCCCTGGGGCTCCTGGCTGTGGGTGGGTTTC[C>T]GGGGCTGCGTCAGGAGGGCGGGAAGGGACGGGTCCTCCTCAGTGCCTAAGCCCACCTCTT-3'
Protein context (NP_056240.2, residues 1474-1494): PSLPALLTQP[Arg1484Gln]KPTHSQEPQG